The following is an entry in ClinVar:

ClinVar aggregate classification (germline): Benign. Review status: criteria provided, multiple submitters, no conflicts (2 of 4 stars). 3 submissions from 3 submitters: Benign (3). Last evaluated 2018-06-14.

Conditions:
Autosomal recessive limb-girdle muscular dystrophy type 2N. Also called: MUSCULAR DYSTROPHY-DYSTROGLYCANOPATHY, LIMB-GIRDLE, POMT2-RELATED; Muscular dystrophy-dystroglycanopathy (limb-girdle), type C, 2. Identifiers: Orphanet 206559, MedGen C3150418, MONDO:0013162, OMIM 613158.

Allele frequency attached by ClinVar (database versions not stated): 1000 Genomes Project 30x 0.21705; 1000 Genomes Project 0.22304; TOPMed 0.23166; gnomAD 0.24659 and 0.24706; gnomAD exomes 0.28831.
gnomAD v4.1: 442,954 of 1,562,322 alleles (28%); highest among the groups gnomAD compares: East Asian, 44%; 66,125 homozygotes.

Submissions (3):

GeneDx
Classification: Benign. Last evaluated: 2018-06-14. Review status: criteria provided, single submitter. Criteria: GeneDx Variant Classification (06012015). Collection method: clinical testing. Allele origin: germline. Affected: yes.
Comment: This variant is considered likely benign or benign based on one or more of the following criteria: it is a conservative change, it occurs at a poorly conserved position in the protein, it is predicted to be benign by multiple in silico algorithms, and/or has population frequency not consistent with disease.

Illumina Laboratory Services, Illumina
Classification: Benign for Autosomal recessive limb-girdle muscular dystrophy type 2N. Last evaluated: 2018-01-12. Review status: criteria provided, single submitter. Criteria: ICSL Variant Classification Criteria 13 December 2019. Collection method: clinical testing. Allele origin: germline.
Comment: This variant was observed in the ICSL laboratory as part of a predisposition screen in an ostensibly healthy population. It had not been previously curated by ICSL or reported in the Human Gene Mutation Database (HGMD: prior to June 1st, 2018), and was therefore a candidate for classification through an automated scoring system. Utilizing variant allele frequency, disease prevalence and penetrance estimates, and inheritance mode, an automated score was calculated to assess if this variant is too frequent to cause the disease. Based on the score and internal cut-off values, a variant classified as benign is not then subjected to further curation. The score for this variant resulted in a classification of benign for this disease.

Breakthrough Genomics
Classification: Benign. Review status: criteria provided, single submitter. Criteria: ACMG Guidelines, 2015. Collection method: not provided. Allele origin: germline. Inheritance: Autosomal recessive inheritance. Affected: yes.

NM_013382.7(POMT2):c.-64G>A

Genes: POMT2 (protein O-mannosyltransferase 2; minus strand), LOC130056177 (ATAC-STARR-seq lymphoblastoid silent region 5970; plus strand). Cytogenetic location: 14q24.3.
Variant type: single nucleotide variant.
Coding change: c.-64G>A on transcript NM_013382.7 (MANE Select); 64 bases upstream of the start codon, G replaced by A.
Molecular consequence: 5 prime UTR variant.
Genome position (GRCh38, 1-based): chr14:77,320,745, C>T on the plus strand (G>A on the coding strand, the complement: POMT2 is on the minus strand). VCF-style: chr14-77320745-C-T. GRCh37 (hg19) VCF-style: chr14-77787088-C-T.
Identifiers: ClinVar variation 314564 (VCV000314564.7), dbSNP rs2270421, ClinGen allele CA10646321.
Genomic context (GRCh38, chr14:77,320,745, plus strand): 5'-CCCCCTCCTCTGGGTCGCCCTCCGGCCCGGAGGCACACTTTGTCTGACCAGCCGCCCCGC[C>T]AAGGAGTCACAAGAGGGCAGCTCGGGGTACCCCGGGAAATGCAACGCCCTTCACTGCAGC-3'